The following is an entry in ClinVar:

NM_014140.4(SMARCAL1):c.2834A>G (p.Asp945Gly)

Gene: SMARCAL1 (SNF2 related chromatin remodeling annealing helicase 1; plus strand). Cytogenetic location: 2q35.
Variant type: single nucleotide variant.
Coding change: c.2834A>G on transcript NM_014140.4 (MANE Select); coding-DNA position 2834, A replaced by G.
Protein change: p.Asp945Gly; replaces aspartic acid 945 with glycine.
Molecular consequence: missense variant.
Genome position (GRCh38, 1-based): chr2:216,482,946, A>G. VCF-style: chr2-216482946-A-G. GRCh37 (hg19) VCF-style: chr2-217347669-A-G.
Other names: c.2834A>G, p.Asp945Gly (NM_001127207.2); short protein forms D945G.
Identifiers: ClinVar variation 1431127 (VCV001431127.4), dbSNP rs1163886519, ClinGen allele CA350505590.

ClinVar aggregate classification (germline): Uncertain significance. Review status: criteria provided, multiple submitters, no conflicts (2 of 4 stars). 2 submissions from 2 submitters: Uncertain significance (2). Last evaluated 2021-12-12.

Conditions:
Schimke immuno-osseous dysplasia (SIOD). Also called: Schimke Immunoosseous Dysplasia. Identifiers: Orphanet 1830, MedGen C0877024, MONDO:0009458, OMIM 242900.

Allele frequency attached by ClinVar (database versions not stated): gnomAD exomes below 0.00001; gnomAD 0.00001; TOPMed 0.00001.
gnomAD v4.1: 9 of 1,614,092 alleles (0.00056%); highest among the groups gnomAD compares: Non-Finnish European, 0.00076%; no homozygotes.

Submissions (2):

Labcorp Genetics (formerly Invitae), Labcorp
Classification: Uncertain significance for Schimke immuno-osseous dysplasia. Last evaluated: 2021-12-12. Review status: criteria provided, single submitter. Criteria: Invitae Variant Classification Sherloc (09022015). Collection method: clinical testing. Allele origin: germline.
Comment: This sequence change replaces aspartic acid, which is acidic and polar, with glycine, which is neutral and non-polar, at codon 945 of the SMARCAL1 protein (p.Asp945Gly). This variant is not present in population databases (gnomAD no frequency). This variant has not been reported in the literature in individuals affected with SMARCAL1-related conditions. Algorithms developed to predict the effect of missense changes on protein structure and function are either unavailable or do not agree on the potential impact of this missense change (SIFT: "Tolerated"; PolyPhen-2: "Probably Damaging"; Align-GVGD: "Class C0"). Algorithms developed to predict the effect of sequence changes on RNA splicing suggest that this variant may create or strengthen a splice site. In summary, the available evidence is currently insufficient to determine the role of this variant in disease. Therefore, it has been classified as a Variant of Uncertain Significance.

Fulgent Genetics
Classification: Uncertain significance for Schimke immuno-osseous dysplasia. Last evaluated: 2021-12-06. Review status: criteria provided, single submitter. Criteria: ACMG Guidelines, 2015. Collection method: clinical testing. Allele origin: unknown.